The following is an entry in ClinVar:

NM_001290321.3(DMXL1):c.8467-8T>C

Gene: DMXL1 (Dmx like 1; plus strand). Cytogenetic location: 5q23.1.
Variant type: single nucleotide variant.
Coding change: c.8467-8T>C on transcript NM_001290321.3 (MANE Select); 8 bases into the intron before coding-DNA position 8467, T replaced by C.
Molecular consequence: intron variant.
Genome position (GRCh38, 1-based): chr5:119,237,314, T>C. VCF-style: chr5-119237314-T-C. GRCh37 (hg19) VCF-style: chr5-118573009-T-C.
Other names: c.8404-8T>C (NM_001349240.2, NM_005509.6, NM_001387933.1); c.7480-8T>C (NM_001387938.1); c.7699-8T>C (NM_001387937.1); c.8467-8T>C (NM_001349239.2); c.8212-8T>C (NM_001387934.1).
Identifiers: ClinVar variation 3043230 (VCV003043230.2), dbSNP rs371764242, ClinGen allele CA3381217.
Genomic context (GRCh38, chr5:119,237,314, plus strand): 5'-TGAGGGTAAGGATAAATATATGCTTTTATATTTATATTAAATACTTTTAAATATTTTCTT[T>C]CTCTAAGTTTGGAATAGTTGATGCTGATGGATATTTAAGTTTGTATCAAACAAACTGGAA-3'

ClinVar aggregate classification (germline): Likely benign (0 of 4 stars; one submission).

Conditions:
DMXL1-related disorder. Also called: DMXL1-related condition.

Allele frequency attached by ClinVar (database versions not stated): ESP Exome Variant Server 0.00008.
gnomAD v4.1: 114 of 1,509,058 alleles (0.0076%); highest among the groups gnomAD compares: Middle Eastern, 0.02%; no homozygotes.

Submission:

PreventionGenetics, part of Exact Sciences
Classification: Likely benign for DMXL1-related condition. Last evaluated: 2019-06-24. Review status: no assertion criteria provided. Collection method: clinical testing. Allele origin: germline.
Comment: This variant is classified as likely benign based on ACMG/AMP sequence variant interpretation guidelines (Richards et al. 2015 PMID: 25741868, with internal and published modifications).